The following is an entry in ClinVar:

NM_001035.3(RYR2):c.346G>A (p.Gly116Arg)

Gene: RYR2 (ryanodine receptor 2; plus strand). Cytogenetic location: 1q43.
Variant type: single nucleotide variant.
Coding change: c.346G>A on transcript NM_001035.3 (MANE Select); coding-DNA position 346, G replaced by A.
Protein change: p.Gly116Arg; replaces glycine 116 with arginine.
Molecular consequence: missense variant.
Genome position (GRCh38, 1-based): chr1:237,369,570, G>A. VCF-style: chr1-237369570-G-A. GRCh37 (hg19) VCF-style: chr1-237532870-G-A.
Other names: short protein forms G116R.
Identifiers: ClinVar variation 2774236 (VCV002774236.5), dbSNP rs866512258, ClinGen allele CA345654983.

ClinVar aggregate classification (germline): Uncertain significance. Review status: criteria provided, multiple submitters, no conflicts (2 of 4 stars). 2 submissions from 2 submitters: Uncertain significance (2). Last evaluated 2025-09-15.

Conditions:
Catecholaminergic polymorphic ventricular tachycardia 1. Also called: VENTRICULAR TACHYCARDIA, STRESS-INDUCED POLYMORPHIC 1; VENTRICULAR TACHYCARDIA, CATECHOLAMINERGIC POLYMORPHIC, 1, WITH OR WITHOUT ATRIAL DYSFUNCTION AND/OR DILATED CARDIOMYOPATHY; RYR2-Related Catecholaminergic Polymorphic Ventricular Tachycardia. Identifiers: Orphanet 3286, MedGen C1631597, MONDO:0011484, OMIM 604772.
Cardiomyopathy (CMYO). Also called: Cardiomyopathies. Identifiers: Orphanet 167848, MedGen C0878544, MONDO:0004994, HP:0001638. Inheritance: Various modes of inheritance.

Allele frequency attached by ClinVar (database versions not stated): gnomAD exomes below 0.00001.
gnomAD v4.1: 2 of 1,565,212 alleles (0.00013%); highest among the groups gnomAD compares: South Asian, 0.0012%; no homozygotes.

Submissions (2):

Labcorp Genetics (formerly Invitae), Labcorp
Classification: Uncertain significance for Catecholaminergic polymorphic ventricular tachycardia 1. Last evaluated: 2025-09-15. Review status: criteria provided, single submitter. Criteria: Invitae Variant Classification Sherloc (09022015). Collection method: clinical testing. Allele origin: germline.
Comment: This sequence change replaces glycine, which is neutral and non-polar, with arginine, which is basic and polar, at codon 116 of the RYR2 protein (p.Gly116Arg). This variant is not present in population databases (gnomAD no frequency). This variant has not been reported in the literature in individuals affected with RYR2-related conditions. ClinVar contains an entry for this variant (Variation ID: 2774236). Invitae Evidence Modeling of protein sequence and biophysical properties (such as structural, functional, and spatial information, amino acid conservation, physicochemical variation, residue mobility, and thermodynamic stability) indicates that this missense variant is expected to disrupt RYR2 protein function with a positive predictive value of 95%. In summary, the available evidence is currently insufficient to determine the role of this variant in disease. Therefore, it has been classified as a Variant of Uncertain Significance.

Color Diagnostics, LLC DBA Color Health
Classification: Uncertain significance for Cardiomyopathy. Last evaluated: 2024-03-06. Review status: criteria provided, single submitter. Criteria: ACMG Guidelines, 2015. Collection method: clinical testing. Allele origin: germline.
Comment: This missense variant replaces glycine with arginine at codon 116 of the RYR2 protein. Computational prediction suggests that this variant may have deleterious impact on protein structure and function (internally defined REVEL score threshold >= 0.7, PMID: 27666373). To our knowledge, functional studies have not been reported for this variant. This variant has not been reported in individuals affected with cardiovascular disorders in the literature. This variant has not been identified in the general population by the Genome Aggregation Database (gnomAD). The available evidence is insufficient to determine the role of this variant in disease conclusively. Therefore, this variant is classified as a Variant of Uncertain Significance.